The following is an entry in ClinVar:

NM_002299.4(LCT):c.4261A>G (p.Ile1421Val)

Gene: LCT (lactase; minus strand). Cytogenetic location: 2q21.3.
Variant type: single nucleotide variant.
Coding change: c.4261A>G on transcript NM_002299.4 (MANE Select); coding-DNA position 4261, A replaced by G.
Protein change: p.Ile1421Val; replaces isoleucine 1421 with valine.
Molecular consequence: missense variant.
Genome position (GRCh38, 1-based): chr2:135,804,970, T>C on the plus strand (A>G on the coding strand, the complement: LCT is on the minus strand). VCF-style: chr2-135804970-T-C. GRCh37 (hg19) VCF-style: chr2-136562540-T-C.
Other names: short protein forms I1421V.
Identifiers: ClinVar variation 1933373 (VCV001933373.5), dbSNP rs2467501528, ClinGen allele CA348596209.

ClinVar aggregate classification (germline): Uncertain significance (1 of 4 stars; one submission).

Allele frequency attached by ClinVar (database versions not stated): gnomAD exomes below 0.00001.

Submission:

Labcorp Genetics (formerly Invitae), Labcorp
Classification: Uncertain significance. Last evaluated: 2022-04-20. Review status: criteria provided, single submitter. Criteria: Invitae Variant Classification Sherloc (09022015). Collection method: clinical testing. Allele origin: germline.
Comment: In summary, the available evidence is currently insufficient to determine the role of this variant in disease. Therefore, it has been classified as a Variant of Uncertain Significance. Algorithms developed to predict the effect of missense changes on protein structure and function output the following: SIFT: "Not Available"; PolyPhen-2: "Benign"; Align-GVGD: "Not Available". The valine amino acid residue is found in multiple mammalian species, which suggests that this missense change does not adversely affect protein function. This variant has not been reported in the literature in individuals affected with LCT-related conditions. This variant is not present in population databases (gnomAD no frequency). This sequence change replaces isoleucine, which is neutral and non-polar, with valine, which is neutral and non-polar, at codon 1421 of the LCT protein (p.Ile1421Val).